The following is an entry in ClinVar:

ClinVar aggregate classification (germline): Likely benign (0 of 4 stars; one submission).

Conditions:
SEMA3C-related disorder. Also called: SEMA3C-related condition.

Submission:

PreventionGenetics, part of Exact Sciences
Classification: Likely benign for SEMA3C-related condition. Last evaluated: 2022-04-21. Review status: no assertion criteria provided. Collection method: clinical testing. Allele origin: germline.
Comment: This variant is classified as likely benign based on ACMG/AMP sequence variant interpretation guidelines (Richards et al. 2015 PMID: 25741868, with internal and published modifications).

NM_006379.5(SEMA3C):c.1284G>A (p.Lys428=)

Gene: SEMA3C (semaphorin 3C; minus strand). Cytogenetic location: 7q21.11.
Variant type: single nucleotide variant.
Coding change: c.1284G>A on transcript NM_006379.5 (MANE Select); coding-DNA position 1284, G replaced by A.
Protein change: p.Lys428=; no amino-acid change (lysine 428 retained).
Molecular consequence: synonymous variant.
Genome position (GRCh38, 1-based): chr7:80,789,376, C>T on the plus strand (G>A on the coding strand, the complement: SEMA3C is on the minus strand). VCF-style: chr7-80789376-C-T. GRCh37 (hg19) VCF-style: chr7-80418692-C-T.
Other names: c.1338G>A, p.Lys446= (NM_001350120.2); c.1110G>A, p.Lys370= (NM_001350121.2).
Identifiers: ClinVar variation 3354507 (VCV003354507.1).